The following is an entry in ClinVar:

ClinVar aggregate classification (germline): Uncertain significance (1 of 4 stars; one submission).

Allele frequency attached by ClinVar (database versions not stated): gnomAD 0.00001; TOPMed 0.00001.
gnomAD v4.1: 2 of 1,611,206 alleles (0.00012%); highest among the groups gnomAD compares: African/African-American, 0.0013%; no homozygotes.

Submission:

GeneDx
Classification: Uncertain significance. Last evaluated: 2020-01-29. Review status: criteria provided, single submitter. Criteria: GeneDx Variant Classification Process June 2021. Collection method: clinical testing. Allele origin: germline. Affected: yes.
Comment: Not observed in large population cohorts (Lek et al., 2016); In silico analysis, which includes protein predictors and evolutionary conservation, supports a deleterious effect; Has not been previously published as pathogenic or benign to our knowledge

NM_014159.7(SETD2):c.1855A>G (p.Asn619Asp)

Gene: SETD2 (SET domain containing 2, histone lysine methyltransferase; minus strand). Cytogenetic location: 3p21.31.
Variant type: single nucleotide variant.
Coding change: c.1855A>G on transcript NM_014159.7 (MANE Select); coding-DNA position 1855, A replaced by G.
Protein change: p.Asn619Asp; replaces asparagine 619 with aspartic acid.
Molecular consequence: missense variant. On other transcripts: non-coding transcript variant (1).
Genome position (GRCh38, 1-based): chr3:47,122,781, T>C on the plus strand (A>G on the coding strand, the complement: SETD2 is on the minus strand). VCF-style: chr3-47122781-T-C. GRCh37 (hg19) VCF-style: chr3-47164271-T-C.
Other names: c.1723A>G, p.Asn575Asp (NM_001349370.3); short protein forms N575D, N619D.
Identifiers: ClinVar variation 1315079 (VCV001315079.2), dbSNP rs1398723100, ClinGen allele CA352528542.